The following is an entry in ClinVar:

ClinVar aggregate classification (germline): Uncertain significance (1 of 4 stars; one submission).

Conditions:
Hereditary cancer-predisposing syndrome. Also called: Hereditary neoplastic syndrome; Neoplastic Syndromes, Hereditary; Tumor predisposition; Hereditary Cancer Syndrome. Identifiers: Orphanet 140162, MedGen C0027672, MeSH D009386, MONDO:0015356.

Submission:

Ambry Genetics
Classification: Uncertain significance for Hereditary cancer-predisposing syndrome. Last evaluated: 2025-08-27. Review status: criteria provided, single submitter. Criteria: Ambry Variant Classification Scheme 2023. Collection method: clinical testing. Allele origin: germline.
Comment: The p.P327R variant (also known as c.980C>G), located in coding exon 11 of the MUTYH gene, results from a C to G substitution at nucleotide position 980. The proline at codon 327 is replaced by arginine, an amino acid with dissimilar properties. This amino acid position is conserved. In addition, this alteration is predicted to be tolerated by in silico analysis. Based on the available evidence, the clinical significance of this variant remains unclear.

NM_001048174.2(MUTYH):c.896C>G (p.Pro299Arg)

Gene: MUTYH (mutY DNA glycosylase; minus strand). Cytogenetic location: 1p34.1.
Variant type: single nucleotide variant.
Coding change: c.896C>G on transcript NM_001048174.2 (MANE Select); coding-DNA position 896, C replaced by G.
Protein change: p.Pro299Arg; replaces proline 299 with arginine.
Molecular consequence: missense variant. On other transcripts: non-coding transcript variant (7).
Genome position (GRCh38, 1-based): chr1:45,332,040, G>C on the plus strand (C>G on the coding strand, the complement: MUTYH is on the minus strand). VCF-style: chr1-45332040-G-C. GRCh37 (hg19) VCF-style: chr1-45797712-G-C.
Other names: c.896C>G, p.Pro299Arg (NM_001407088.1, NM_001407089.1, NM_001407070.1 and 6 more transcripts); c.620C>G, p.Pro207Arg (NM_001407091.1, NM_001293196.2, NM_001293192.2); c.971C>G, p.Pro324Arg (NM_012222.3); c.551C>G, p.Pro184Arg (NM_001350650.2, NM_001350651.2, NM_001407082.1); c.929C>G, p.Pro310Arg (NM_001407069.1, NM_001293191.2, NM_001407077.1); c.899C>G, p.Pro300Arg (NM_001407071.1, NM_001048172.2, NM_001407078.1 and 1 more transcripts); c.812C>G, p.Pro271Arg (NM_001407075.1); c.980C>G, p.Pro327Arg (NM_001128425.2); and 5 more; short protein forms P207R, P286R, P313R, P324R, P271R, P285R, P299R, P310R.
Identifiers: ClinVar variation 4113982 (VCV004113982.1).